The following is an entry in ClinVar:

ClinVar aggregate classification (germline): Benign/Likely benign. Review status: criteria provided, multiple submitters, no conflicts (2 of 4 stars). 4 submissions from 4 submitters: Benign (1); Likely benign (2). 1 of the submissions does not count toward it. Last evaluated 2026-01-28.

Conditions:
AUTS2-related disorder. Also called: AUTS2-related condition.

Allele frequency attached by ClinVar (database versions not stated): gnomAD exomes 0.00096 and 0.00253; ExAC 0.00322; gnomAD 0.00990 and 0.01058; ESP Exome Variant Server 0.01153; TOPMed 0.01155; 1000 Genomes Project 0.01238; 1000 Genomes Project 30x 0.01405.
gnomAD v4.1: 2,955 of 1,614,164 alleles (0.18%); highest among the groups gnomAD compares: African/African-American, 3.5%; 49 homozygotes.

Submissions (4):

Labcorp Genetics (formerly Invitae), Labcorp
Classification: Benign. Last evaluated: 2026-01-28. Review status: criteria provided, single submitter. Criteria: Invitae Variant Classification Sherloc (09022015). Collection method: clinical testing. Allele origin: germline.

GeneDx
Classification: Likely benign. Last evaluated: 2021-01-20. Review status: criteria provided, single submitter. Criteria: GeneDx Variant Classification Process June 2021. Collection method: clinical testing. Allele origin: germline. Affected: yes.

Breakthrough Genomics
Classification: Likely benign. Review status: criteria provided, single submitter. Criteria: ACMG Guidelines, 2015. Collection method: not provided. Allele origin: germline. Inheritance: Autosomal dominant inheritance. Affected: yes.

PreventionGenetics, part of Exact Sciences
Classification: Benign for AUTS2-related condition. Last evaluated: 2020-12-24. Review status: no assertion criteria provided. Collection method: clinical testing. Allele origin: germline. Not counted in ClinVar's aggregate classification.
Comment: This variant is classified as benign based on ACMG/AMP sequence variant interpretation guidelines (Richards et al. 2015 PMID: 25741868, with internal and published modifications).

NM_015570.4(AUTS2):c.2055G>A (p.Glu685=)

Gene: AUTS2 (activator of transcription and developmental regulator AUTS2; plus strand). Cytogenetic location: 7q11.22.
Variant type: single nucleotide variant.
Coding change: c.2055G>A on transcript NM_015570.4 (MANE Select); coding-DNA position 2055, G replaced by A.
Protein change: p.Glu685=; no amino-acid change (glutamic acid 685 retained).
Molecular consequence: synonymous variant.
Genome position (GRCh38, 1-based): chr7:70,781,665, G>A. VCF-style: chr7-70781665-G-A. GRCh37 (hg19) VCF-style: chr7-70246651-G-A.
Other names: c.1983G>A, p.Glu661= (NM_001127231.3).
Identifiers: ClinVar variation 702337 (VCV000702337.15), dbSNP rs61729701, ClinGen allele CA4280899.
Genomic context (GRCh38, chr7:70,781,665, plus strand): 5'-TGCTGTGTAGAAACAGATGCAGTCAGACCCACATAAGCTGGACTTTGGACTGAAACCTGA[G>A]TTCCTGAGCCGCCCTCCAGGCCCCAGTCTTTTTGGAGCCATCCACCACCCCCATGACCTG-3'
Protein context (NP_056385.1, residues 675-695): PHKLDFGLKP[Glu685=]FLSRPPGPSL